The following is an entry in ClinVar:

NM_207361.6(FREM2):c.1284G>A (p.Met428Ile)

Gene: FREM2 (FRAS1 related extracellular matrix 2; plus strand). Cytogenetic location: 13q13.3.
Variant type: single nucleotide variant.
Coding change: c.1284G>A on transcript NM_207361.6 (MANE Select); coding-DNA position 1284, G replaced by A.
Protein change: p.Met428Ile; replaces methionine 428 with isoleucine.
Molecular consequence: missense variant.
Genome position (GRCh38, 1-based): chr13:38,688,628, G>A. VCF-style: chr13-38688628-G-A. GRCh37 (hg19) VCF-style: chr13-39262765-G-A.
Other names: c.1284G>A (NM_207361.4); short protein forms M428I.
Identifiers: ClinVar variation 1363760 (VCV001363760.7), dbSNP rs746265965, ClinGen allele CA6954375.

ClinVar aggregate classification (germline): Uncertain significance. Review status: criteria provided, multiple submitters, no conflicts (2 of 4 stars). 3 submissions from 3 submitters: Uncertain significance (3). Last evaluated 2024-08-05.

Conditions:
Isolated cryptophthalmia. Also called: ANKYLOBLEPHARON, SIMPLE; Cryptophthalmos, unilateral or bilateral, isolated. Identifiers: Orphanet 91396, MedGen C1852453, MONDO:0007410, OMIM 123570.
Fraser syndrome 2 (FRASRS2). Identifiers: MedGen C4540036, MONDO:0054738, OMIM 617666.

Allele frequency attached by ClinVar (database versions not stated): gnomAD 0.00002; TOPMed 0.00003; gnomAD exomes 0.00004 and 0.00010; ExAC 0.00009.
gnomAD v4.1: 28 of 1,614,032 alleles (0.0017%); highest among the groups gnomAD compares: Admixed American, 0.047%; no homozygotes.

Submissions (3):

Labcorp Genetics (formerly Invitae), Labcorp
Classification: Uncertain significance. Last evaluated: 2024-08-05. Review status: criteria provided, single submitter. Criteria: Invitae Variant Classification Sherloc (09022015). Collection method: clinical testing. Allele origin: germline.
Comment: This sequence change replaces methionine, which is neutral and non-polar, with isoleucine, which is neutral and non-polar, at codon 428 of the FREM2 protein (p.Met428Ile). This variant is present in population databases (rs746265965, gnomAD 0.07%). This variant has not been reported in the literature in individuals affected with FREM2-related conditions. ClinVar contains an entry for this variant (Variation ID: 1363760). Advanced modeling of protein sequence and biophysical properties (such as structural, functional, and spatial information, amino acid conservation, physicochemical variation, residue mobility, and thermodynamic stability) has been performed at Invitae for this missense variant, however the output from this modeling did not meet the statistical confidence thresholds required to predict the impact of this variant on FREM2 protein function. In summary, the available evidence is currently insufficient to determine the role of this variant in disease. Therefore, it has been classified as a Variant of Uncertain Significance.

GeneDx
Classification: Uncertain significance. Last evaluated: 2024-07-10. Review status: criteria provided, single submitter. Criteria: GeneDx Variant Classification Process June 2021. Collection method: clinical testing. Allele origin: germline. Affected: yes.
Comment: In silico analysis indicates that this missense variant does not alter protein structure/function; Has not been previously published as pathogenic or benign to our knowledge

Fulgent Genetics
Classification: Uncertain significance for Isolated cryptophthalmia; Fraser syndrome 2. Last evaluated: 2021-12-13. Review status: criteria provided, single submitter. Criteria: ACMG Guidelines, 2015. Collection method: clinical testing. Allele origin: unknown.